The following is an entry in ClinVar:

NM_058216.3(RAD51C):c.864A>G (p.Thr288=)

Gene: RAD51C (RAD51 paralog C; plus strand). Cytogenetic location: 17q22.
Variant type: single nucleotide variant.
Coding change: c.864A>G on transcript NM_058216.3 (MANE Select); coding-DNA position 864, A replaced by G.
Protein change: p.Thr288=; no amino-acid change (threonine 288 retained).
Molecular consequence: synonymous variant. On other transcripts: non-coding transcript variant (1).
Genome position (GRCh38, 1-based): chr17:58,720,772, A>G. VCF-style: chr17-58720772-A-G. GRCh37 (hg19) VCF-style: chr17-56798133-A-G.
Other names: c.864A>G (NM_058216.1).
Identifiers: ClinVar variation 492387 (VCV000492387.10), dbSNP rs1555602110, ClinGen allele CA501075792.
Genomic context (GRCh38, chr17:58,720,772, plus strand): 5'-ACTCACCTAATTTTCTTACATTTTGTTTTTGTAGGTAATTTTAACCAATCAGATGACAAC[A>G]AAGATTGATAGAAATCAGGCCTTGCTTGTTCCTGCATTAGGTGGGTAATTAATCAGATAA-3'
Protein context (NP_478123.1, residues 278-298): LAVILTNQMT[Thr288=]KIDRNQALLV

ClinVar aggregate classification (germline): Benign/Likely benign. Review status: criteria provided, multiple submitters, no conflicts (2 of 4 stars). 5 submissions from 5 submitters: Benign (1); Likely benign (4). Last evaluated 2025-10-13.

Conditions:
Fanconi anemia complementation group O. Also called: RAD51C-Related Fanconi Anemia. Identifiers: Orphanet 84, MedGen C3150653, MONDO:0013248, OMIM 613390.
Breast-ovarian cancer, familial, susceptibility to, 3. Also called: RAD51C-Related Breast/Ovarian Cancer. Identifiers: Orphanet 145, MedGen C3150659, MONDO:0013253, OMIM 613399.
Hereditary cancer-predisposing syndrome. Also called: Tumor predisposition; Neoplastic Syndromes, Hereditary; Hereditary Cancer Syndrome; Hereditary neoplastic syndrome. Identifiers: Orphanet 140162, MedGen C0027672, MeSH D009386, MONDO:0015356.

gnomAD v4.1: 2 of 1,612,704 alleles (0.00012%); highest among the groups gnomAD compares: Non-Finnish European, 0.00017%; no homozygotes.

Submissions (5):

Labcorp Genetics (formerly Invitae), Labcorp
Classification: Likely benign for Fanconi anemia complementation group O. Last evaluated: 2025-10-13. Review status: criteria provided, single submitter. Criteria: Invitae Variant Classification Sherloc (09022015). Collection method: clinical testing. Allele origin: germline.

Myriad Genetics, Inc.
Classification: Benign for Breast-ovarian cancer, familial, susceptibility to, 3. Last evaluated: 2025-02-19. Review status: criteria provided, single submitter. Criteria: Myriad Autosomal Dominant, Autosomal Recessive and X-Linked Classification Criteria (2023). Collection method: clinical testing. Allele origin: unknown.
Comment: This variant is considered benign. This variant is a silent/synonymous amino acid change and it is not expected to impact splicing.

Ambry Genetics
Classification: Likely benign for Hereditary cancer-predisposing syndrome. Last evaluated: 2023-06-21. Review status: criteria provided, single submitter. Criteria: Ambry Variant Classification Scheme 2023. Collection method: clinical testing. Allele origin: germline.

Department of Pathology and Laboratory Medicine, Sinai Health System
Classification: Likely benign for Fanconi anemia complementation group O; Breast-ovarian cancer, familial, susceptibility to, 3. Last evaluated: 2021-10-08. Review status: criteria provided, single submitter. Criteria: ACMG Guidelines, 2015. Collection method: clinical testing. Allele origin: germline. Affected: no.

Color Diagnostics, LLC DBA Color Health
Classification: Likely benign for Hereditary cancer-predisposing syndrome. Last evaluated: 2016-12-21. Review status: criteria provided, single submitter. Criteria: ACMG Guidelines, 2015. Collection method: clinical testing. Allele origin: germline.